The following is an entry in ClinVar:

ClinVar aggregate classification (germline): Uncertain significance (1 of 4 stars; one submission).

Conditions:
Myopathy, proximal, and ophthalmoplegia (CMYO6). Also called: MYOPATHY WITH CONGENITAL JOINT CONTRACTURES, OPHTHALMOPLEGIA, AND RIMMED VACUOLES; CONGENITAL MYOPATHY 6 WITH OPHTHALMOPLEGIA; INCLUSION BODY MYOPATHY 3, AUTOSOMAL DOMINANT. Identifiers: Orphanet 363677, Orphanet 79091, MedGen C1854106, MONDO:0011577, OMIM 605637.

Submission:

Labcorp Genetics (formerly Invitae), Labcorp
Classification: Uncertain significance for Myopathy, proximal, and ophthalmoplegia. Last evaluated: 2022-01-28. Review status: criteria provided, single submitter. Criteria: Invitae Variant Classification Sherloc (09022015). Collection method: clinical testing. Allele origin: germline.
Comment: This sequence change creates a premature translational stop signal (p.Tyr1884*) in the MYH2 gene. While this is not anticipated to result in nonsense mediated decay, it is expected to disrupt the last 58 amino acid(s) of the MYH2 protein. This variant is not present in population databases (gnomAD no frequency). In summary, the available evidence is currently insufficient to determine the role of this variant in disease. Therefore, it has been classified as a Variant of Uncertain Significance. Experimental studies and prediction algorithms are not available or were not evaluated, and the functional significance of this variant is currently unknown. This variant has not been reported in the literature in individuals affected with MYH2-related conditions.

NM_017534.6(MYH2):c.5652_5656del (p.Tyr1884_Arg1886delinsTer)

Genes: MYH2 (myosin heavy chain 2; minus strand), MYHAS (myosin heavy chain gene cluster antisense RNA; plus strand). Cytogenetic location: 17p13.1.
Variant type: Deletion.
Coding change: c.5652_5656del on transcript NM_017534.6 (MANE Select); coding-DNA positions 5652 to 5656, 5 bases deleted (TAAGA; older notation c.5652_5656delTAAGA).
Protein change: p.Tyr1884_Arg1886delinsTer.
Molecular consequence: nonsense.
Genome position (GRCh38, 1-based): chr17:10,523,107-10,523,111, TCTTA deleted on the plus strand (TAAGA on the coding strand, the reverse complement: MYH2 is on the minus strand); deleting any 5 consecutive bases within chr17:10,523,107-10,523,112 gives the same sequence; the c. name uses the placement nearest the transcript's 3' end. VCF-style (leftmost placement, unchanged base first): chr17-10523106-CTCTTA-C. GRCh37 (hg19) VCF-style: chr17-10426423-CTCTTA-C.
Other names: c.5652_5656del, p.Tyr1884_Arg1886delinsTer (NM_001100112.2).
Identifiers: ClinVar variation 2090647 (VCV002090647.4), dbSNP rs2508406701, ClinGen allele CA2580092494.